The following is an entry in ClinVar:

NM_139215.3(TAF15):c.1392T>A (p.Gly464=)

Gene: TAF15 (TATA-box binding protein associated factor 15; plus strand). Cytogenetic location: 17q12.
Variant type: single nucleotide variant.
Coding change: c.1392T>A on transcript NM_139215.3 (MANE Select); coding-DNA position 1392, T replaced by A.
Protein change: p.Gly464=; no amino-acid change (glycine 464 retained).
Molecular consequence: synonymous variant.
Genome position (GRCh38, 1-based): chr17:35,844,691, T>A. VCF-style: chr17-35844691-T-A. GRCh37 (hg19) VCF-style: chr17-34171695-T-A.
Other names: c.1383T>A, p.Gly461= (NM_003487.4).
Identifiers: ClinVar variation 2647676 (VCV002647676.24), dbSNP rs113145447, ClinGen allele CA290041399.

ClinVar aggregate classification (germline): Likely benign (1 of 4 stars; one submission).

Allele frequency attached by ClinVar (database versions not stated): ExAC 0.00001.
gnomAD v4.1: 8 of 1,594,060 alleles (0.0005%); highest among the groups gnomAD compares: East Asian, 0.012%; no homozygotes.

Submission:

CeGaT Center for Human Genetics Tuebingen
Classification: Likely benign. Last evaluated: 2023-04-01. Review status: criteria provided, single submitter. Criteria: CeGaT Center For Human Genetics Tuebingen Variant Classification Criteria Version 2. Collection method: clinical testing. Allele origin: germline. Affected: yes. Observed: 1 variant allele.
Comment: TAF15: BP4, BP7